The following is an entry in ClinVar:

ClinVar aggregate classification (germline): Uncertain significance (1 of 4 stars; one submission).

Conditions:
SRCAP-related disorder. Also called: SRCAP-related condition.

Submission:

PreventionGenetics, part of Exact Sciences
Classification: Uncertain significance for SRCAP-related condition. Last evaluated: 2026-02-27. Review status: criteria provided, single submitter. Criteria: ACMG Guidelines, 2015. Collection method: clinical testing. Allele origin: germline.
Comment: The SRCAP c.4732_4734dupTCT variant is predicted to result in an in-frame duplication (p.Ser1578dup). To our knowledge, this variant has not been reported in the literature or in a large population database (gnomAD), indicating this variant is rare. At this time, the clinical significance of this variant is uncertain due to the absence of conclusive functional and genetic evidence.

NM_006662.3(SRCAP):c.4729TCT[3] (p.Ser1578_Ala1579insSer)

Gene: SRCAP (Snf2 related CREBBP activator protein; plus strand). Cytogenetic location: 16p11.2.
Variant type: Microsatellite.
Coding change: c.4729TCT[3] on transcript NM_006662.3 (MANE Select); three copies in a row of the 3-base unit TCT starting at c.4729; the reference has two copies in a row; one copy, 3 bases duplicated.
Protein change: p.Ser1578_Ala1579insSer.
Genome position (GRCh38, 1-based): chr16:30,724,156-30,724,158, TCT duplicated; duplicating any 3 consecutive bases within chr16:30,724,153-30,724,158 gives the same sequence; the position shown is the placement nearest the transcript's 3' end. VCF-style (leftmost placement, unchanged base first): chr16-30724152-A-ATCT. GRCh37 (hg19) VCF-style: chr16-30735473-A-ATCT.
Identifiers: ClinVar variation 3061092 (VCV003061092.3), dbSNP rs2151294248, ClinGen allele CA2740093303.